The following is an entry in ClinVar:

NM_024675.4(PALB2):c.275C>T (p.Thr92Ile)

Gene: PALB2 (partner and localizer of BRCA2; minus strand). Cytogenetic location: 16p12.2.
Variant type: single nucleotide variant.
Coding change: c.275C>T on transcript NM_024675.4 (MANE Select); coding-DNA position 275, C replaced by T.
Protein change: p.Thr92Ile; replaces threonine 92 with isoleucine.
Molecular consequence: missense variant. On other transcripts: 5 prime UTR variant (8), intron variant (3).
Genome position (GRCh38, 1-based): chr16:23,636,271, G>A on the plus strand (C>T on the coding strand, the complement: PALB2 is on the minus strand). VCF-style: chr16-23636271-G-A. GRCh37 (hg19) VCF-style: chr16-23647592-G-A.
Other names: c.215C>T, p.Thr72Ile (NM_001407296.1); c.275C>T, p.Thr92Ile (NM_001407297.1, NM_001407298.1, NM_001407299.1 and 3 more transcripts); c.-611C>T (NM_001407304.1, NM_001407305.1, NM_001407306.1 and 5 more transcripts); c.48+4839C>T (NM_001407314.1); c.-105+4839C>T (NM_001407313.1, NM_001407312.1); short protein forms T72I, T92I.
Identifiers: ClinVar variation 2888210 (VCV002888210.4), dbSNP rs2142447179, ClinGen allele CA395138851.

ClinVar aggregate classification (germline): Uncertain significance. Review status: criteria provided, multiple submitters, no conflicts (2 of 4 stars). 2 submissions from 2 submitters: Uncertain significance (2). Last evaluated 2024-01-26.

Conditions:
Familial cancer of breast. Also called: hereditary breast carcinoma; BREAST CANCER, FAMILIAL; Hereditary breast cancer. Identifiers: Orphanet 227535, MedGen C0346153, MONDO:0016419, OMIM 114480. Disease mechanism: loss of function.
Hereditary cancer-predisposing syndrome. Also called: Neoplastic Syndromes, Hereditary; Hereditary neoplastic syndrome; Tumor predisposition; Hereditary Cancer Syndrome. Identifiers: Orphanet 140162, MedGen C0027672, MeSH D009386, MONDO:0015356.

gnomAD v4.1: 2 of 1,613,646 alleles (0.00012%); highest among the groups gnomAD compares: South Asian, 0.0022%; no homozygotes.

Submissions (2):

Ambry Genetics
Classification: Uncertain significance for Hereditary cancer-predisposing syndrome. Last evaluated: 2024-01-26. Review status: criteria provided, single submitter. Criteria: Ambry Variant Classification Scheme 2023. Collection method: clinical testing. Allele origin: germline.
Comment: The p.T92I variant (also known as c.275C>T), located in coding exon 4 of the PALB2 gene, results from a C to T substitution at nucleotide position 275. The threonine at codon 92 is replaced by isoleucine, an amino acid with similar properties. This amino acid position is conserved. In addition, this alteration is predicted to be tolerated by in silico analysis. Based on the available evidence, the clinical significance of this alteration remains unclear.

Labcorp Genetics (formerly Invitae), Labcorp
Classification: Uncertain significance for Familial cancer of breast. Last evaluated: 2023-12-31. Review status: criteria provided, single submitter. Criteria: Invitae Variant Classification Sherloc (09022015). Collection method: clinical testing. Allele origin: germline.
Comment: This sequence change replaces threonine, which is neutral and polar, with isoleucine, which is neutral and non-polar, at codon 92 of the PALB2 protein (p.Thr92Ile). This variant is not present in population databases (gnomAD no frequency). This variant has not been reported in the literature in individuals affected with PALB2-related conditions. An algorithm developed to predict the effect of missense changes on protein structure and function (PolyPhen-2) suggests that this variant is likely to be disruptive. In summary, the available evidence is currently insufficient to determine the role of this variant in disease. Therefore, it has been classified as a Variant of Uncertain Significance.